The following is an entry in ClinVar:

NM_198271.5(LMOD3):c.296A>G (p.Glu99Gly)

Gene: LMOD3 (leiomodin 3; minus strand). Cytogenetic location: 3p14.1.
Variant type: single nucleotide variant.
Coding change: c.296A>G on transcript NM_198271.5 (MANE Select); coding-DNA position 296, A replaced by G.
Protein change: p.Glu99Gly; replaces glutamic acid 99 with glycine.
Molecular consequence: missense variant.
Genome position (GRCh38, 1-based): chr3:69,120,059, T>C on the plus strand (A>G on the coding strand, the complement: LMOD3 is on the minus strand). VCF-style: chr3-69120059-T-C. GRCh37 (hg19) VCF-style: chr3-69169210-T-C.
Other names: c.296A>G, p.Glu99Gly (NM_001304418.3); short protein forms E99G.
Identifiers: ClinVar variation 475317 (VCV000475317.3), dbSNP rs1258289949, ClinGen allele CA353477580.
Genomic context (GRCh38, chr3:69,120,059, plus strand): 5'-AAATACTGGGCCATATTTTTATTACGTTTTTCTATTTCTTCATGCTCTTCTTGAGTCTTT[T>C]CCTACAAGAGAGGTTTATGAGGGTTAGAATACATAGCAGAGAAGAAATATGAAGTGGAGC-3'
Protein context (NP_938012.2, residues 89-109): RVPVTFVKSE[Glu99Gly]KTQEEHEEIE

ClinVar aggregate classification (germline): Uncertain significance (1 of 4 stars; one submission).

Conditions:
Nemaline myopathy 10 (NEM10). Identifiers: MedGen C4015360, MONDO:0014513, OMIM 616165.

Allele frequency attached by ClinVar (database versions not stated): gnomAD exomes below 0.00001 and 0.00001; gnomAD 0.00001; TOPMed 0.00008.
gnomAD v4.1: 5 of 1,593,766 alleles (0.00031%); highest among the groups gnomAD compares: Admixed American, 0.0053%; no homozygotes.

Submission:

Labcorp Genetics (formerly Invitae), Labcorp
Classification: Uncertain significance for Nemaline myopathy 10. Last evaluated: 2020-02-17. Review status: criteria provided, single submitter. Criteria: Invitae Variant Classification Sherloc (09022015). Collection method: clinical testing. Allele origin: germline.
Comment: This sequence change replaces glutamic acid with glycine at codon 99 of the LMOD3 protein (p.Glu99Gly). The glutamic acid residue is weakly conserved and there is a moderate physicochemical difference between glutamic acid and glycine. In summary, this variant is a novel missense change that is not predicted to affect protein function. There is no indication that it causes disease, but the available evidence is currently insufficient to prove that conclusively. Therefore, it has been classified as a Variant of Uncertain Significance. Algorithms developed to predict the effect of missense changes on protein structure and function output the following: SIFT: "Tolerated"; PolyPhen-2: "Benign"; Align-GVGD: "Class C0". The glycine amino acid residue is found in multiple mammalian species, suggesting that this missense change does not adversely affect protein function. These predictions have not been confirmed by published functional studies. This variant is not present in population databases (ExAC no frequency) and has not been reported in the literature in individuals with an LMOD3-related disease.